The following is an entry in ClinVar:

ClinVar aggregate classification (germline): Conflicting classifications of pathogenicity. Review status: criteria provided, conflicting classifications (1 of 4 stars). 12 submissions from 12 submitters: Uncertain significance (5); Benign (1); Likely benign (4). 2 of the submissions do not count toward it. Last evaluated 2026-07-01.

Conditions:
COL6A2-related disorder.
Collagen 6-related myopathy. Identifiers: MedGen CN117976, MONDO:0100225.
Bethlem myopathy 1A. Also called: Bethlem Muscular Dystrophy; MYOPATHY, BENIGN CONGENITAL, WITH CONTRACTURES; Bethlem myopathy 1. Identifiers: Orphanet 610, MedGen CN029274, MONDO:0024530, OMIM 158810.
Tip-toe gait. Also called: Toe walking. Identifiers: MedGen C0427144, HP:0030051.

Allele frequency attached by ClinVar (database versions not stated): ESP Exome Variant Server 0.00055; 1000 Genomes Project 0.00060; 1000 Genomes Project 30x 0.00062; ExAC 0.00107; TOPMed 0.00112; gnomAD 0.00116 and 0.00119; gnomAD exomes 0.00116 and 0.00130.

Submissions (12):

CeGaT Center for Human Genetics Tuebingen
Classification: Likely benign. Last evaluated: 2026-07-01. Review status: criteria provided, single submitter. Criteria: CeGaT Center For Human Genetics Tuebingen Variant Classification Criteria Version 2. Collection method: clinical testing. Allele origin: germline. Affected: yes. Observed: 9 variant alleles.
Comment: COL6A2: BS2

Labcorp Genetics (formerly Invitae), Labcorp
Classification: Likely benign for Bethlem myopathy 1A. Last evaluated: 2026-01-21. Review status: criteria provided, single submitter. Criteria: Invitae Variant Classification Sherloc (09022015). Collection method: clinical testing. Allele origin: germline.

PreventionGenetics, part of Exact Sciences
Classification: Likely benign for COL6A2-related condition. Last evaluated: 2025-09-19. Review status: criteria provided, single submitter. Criteria: ACMG Guidelines, 2015. Collection method: clinical testing. Allele origin: germline.
Comment: This variant is classified as likely benign based on ACMG/AMP sequence variant interpretation guidelines (Richards et al. 2015 PMID: 25741868, with internal and published modifications).

GeneDx
Classification: Uncertain significance. Last evaluated: 2025-07-30. Review status: criteria provided, single submitter. Criteria: GeneDx Variant Classification Process June 2021. Collection method: clinical testing. Allele origin: germline. Affected: yes.
Comment: Reported previously as a variant of uncertain significance in patients with clinically suspected limb-girdle muscular dystrophy; however, no further clinical or segregation information was provided (PMID: 30564623); In silico analysis supports that this missense variant has a deleterious effect on protein structure/function; This variant is associated with the following publications: (PMID: 24036952, 34803902, 30549423, 37091313, 30564623, 36920900)

Blueprint Genetics
Classification: Likely benign. Last evaluated: 2024-11-21. Review status: criteria provided, single submitter. Criteria: ACMG Guidelines, 2015. Collection method: clinical testing. Allele origin: germline.

Mayo Clinic Laboratories, Mayo Clinic
Classification: Uncertain significance. Last evaluated: 2023-04-12. Review status: criteria provided, single submitter. Criteria: ACMG Guidelines, 2015. Collection method: clinical testing. Allele origin: germline. Observed: 2 variant alleles.
Comment: BS1

Department of Pathology and Laboratory Medicine, Sinai Health System
Classification: Uncertain significance for collagen 6-related myopathy. Last evaluated: 2022-12-05. Review status: criteria provided, single submitter. Criteria: ACMG Guidelines, 2015. Collection method: research. Allele origin: germline.

Laboratory of Medical Genetics, National & Kapodistrian University of Athens
Classification: Uncertain significance for Bethlem myopathy 1A. Last evaluated: 2021-10-06. Review status: criteria provided, single submitter. Criteria: ACMG Guidelines, 2015. Collection method: clinical testing. Allele origin: unknown. Affected: yes.
Comment: PP2, PP3, BS2

Eurofins Ntd Llc (ga)
Classification: Uncertain significance. Last evaluated: 2018-05-18. Review status: criteria provided, single submitter. Criteria: EGL ClinVar v180209 classification definitions. Collection method: clinical testing. Allele origin: germline. Observed: 21 variant alleles, 20 heterozygotes.

Illumina Laboratory Services, Illumina
Classification: Benign for Collagen VI-related myopathy. Last evaluated: 2018-01-12. Review status: criteria provided, single submitter. Criteria: ICSL Variant Classification Criteria 13 December 2019. Collection method: clinical testing. Allele origin: germline.
Comment: This variant was observed in the ICSL laboratory as part of a predisposition screen in an ostensibly healthy population. It had not been previously curated by ICSL or reported in the Human Gene Mutation Database (HGMD: prior to June 1st, 2018), and was therefore a candidate for classification through an automated scoring system. Utilizing variant allele frequency, disease prevalence and penetrance estimates, and inheritance mode, an automated score was calculated to assess if this variant is too frequent to cause the disease. Based on the score and internal cut-off values, a variant classified as benign is not then subjected to further curation. The score for this variant resulted in a classification of benign for this disease.

Biochemical Molecular Genetic Laboratory, King Abdulaziz Medical City
Classification: Uncertain significance for COL6A2-related disorder. Last evaluated: 2018-07-18. Review status: no assertion criteria provided. Collection method: clinical testing. Allele origin: germline. Affected: yes. Not counted in ClinVar's aggregate classification.

Practice for Gait Abnormalities, David Pomarino, Competency Network Toe Walking C/o Practice Pomarino
Classification: Likely pathogenic for Tip-toe gait. Review status: no assertion criteria provided. Collection method: clinical testing. Allele origin: germline. Affected: yes. Not counted in ClinVar's aggregate classification.
Comment: Myopathy refers to diseases that affect skeletal Muscles. These diseases attack muscle fibers, making muscles weak. Inherited myopathies are often caused by inheriting an abnormal gene mutation from a parent that causes the disease. Symptoms of congenital myopathies usually start at birth or in early childhood, but may not appear until the teen years or even later in adulthood. Congenital myopathies are somewhat unique compared with other inherited myopathies, as weakness typically affects all muscles and is often not progressive. Symptoms are: Muscle weakness, most commonly of upper arms and shoulders and thighs, muscle cramps, stiffness and spasms, fatigue with exertion and lack of energy. Our patients all walk on tiptoe, so they show similar symptoms. When we genetically test them with our toe walking panel, we find that around 90 per cent of them have a genetic variant that explains their toe walking. These can be assigned, for example, to the area of myopathies (such as variants of the COL6A3 gene), the area of hereditary neuropathies (such as variants of the KMT2C gene) or the area of metabolic diseases (such as variants of the PYGM gene). In a smaller group of patients with almost identical symptoms, no abnormality is found in the genes of our panel, but spastic paraplegia can be detected. In another small group of our toe walkers, no abnormalities can be detected in the genes analysed in our toe walking panel, nor do they suffer from spastic paraplegia, as is also the case with healthy children. In contrast to these, however, they show a tiptoe gait. These patients suffer from infantile cerebral palsy, in which toe walking can also be observed.

Literature cited by the submitters: PubMed 30564623 (cited by Mayo Clinic Laboratories, Mayo Clinic); PubMed 37091313 (cited by Practice for Gait Abnormalities, David Pomarino, Competency Network Toe Walking C/o Practice Pomarino).

NM_001849.4(COL6A2):c.511G>A (p.Gly171Arg)

Gene: COL6A2 (collagen type VI alpha 2 chain; plus strand). Cytogenetic location: 21q22.3.
Variant type: single nucleotide variant.
Coding change: c.511G>A on transcript NM_001849.4 (MANE Select); coding-DNA position 511, G replaced by A.
Protein change: p.Gly171Arg; replaces glycine 171 with arginine.
Molecular consequence: missense variant.
Genome position (GRCh38, 1-based): chr21:46,112,374, G>A. VCF-style: chr21-46112374-G-A. GRCh37 (hg19) VCF-style: chr21-47532288-G-A.
Other names: c.511G>A, p.Gly171Arg (NM_058174.3, NM_058175.3); short protein forms G171R.
Identifiers: ClinVar variation 282184 (VCV000282184.81), dbSNP rs200710788, ClinGen allele CA10071315.